The following is an entry in ClinVar:

ClinVar aggregate classification (germline): Uncertain significance (1 of 4 stars; one submission).

Conditions:
Stargardt disease (FFM). Also called: Stargardt's disease; Fundus flavimaculatus. Identifiers: Orphanet 827, MedGen C0271093, MONDO:0019353.

Allele frequency attached by ClinVar (database versions not stated): gnomAD exomes below 0.00001; ExAC 0.00001.
gnomAD v4.1: 1 of 1,613,516 alleles (0.000062%); highest among the groups gnomAD compares: South Asian, 0.0011%; no homozygotes.

Submission:

Victorian Clinical Genetics Services, Murdoch Childrens Research Institute
Classification: Uncertain significance for Stargardt disease. Last evaluated: 2021-05-06. Review status: criteria provided, single submitter. Criteria: ACMG Guidelines, 2015. Collection method: clinical testing. Allele origin: germline. Inheritance: Autosomal recessive inheritance.
Comment: Based on the classification scheme VCGS_Germline_v1.3.4, this variant is classified as VUS-3B. Following criteria are met: 0102 - Loss of function is a known mechanism of disease in this gene and is associated with Stargardt disease (MIM #248200), fundus flavimaculatus (MIM #248200), early-onset severe retinal dystrophy (MIM #248200) and retinitis pigmentosa 19 (MIM #601718). (I) 0106 - This gene is associated with autosomal recessive disease. (I) 0115 - Variants in this gene are known to have variable expressivity (PMID: 31522899). (I) 0200 - Variant is predicted to result in a missense amino acid change from phenylalanine to leucine. (I) 0251 - This variant is heterozygous. (I) 0304 - Variant is present in gnomAD <0.01 for a recessive condition (v2) (1 heterozygote, 0 homozygotes). (SP) 0309 - An alternative amino acid change at the same position has been observed in gnomAD (v2) (3 heterozygotes, 0 homozygotes). (I) 0501 - Missense variant consistently predicted to be damaging by multiple in silico tools or highly conserved with a major amino acid change. (SP) 0604 - Variant is not located in an established domain, motif, hotspot or informative constraint region. (I) 0704 - Another missense variant comparable to the one identified in this case has limited previous evidence for pathogenicity (PMID: 21911583). The missense variant p.(Phe418Ser) has previously been reported in multiple Stargardt patients however the phenylalanine to serine substitution constitutes a much larger physicochemical change (GS: 155) than the change to leucine. (SP) 0803 - This variant has limited previous evidence of pathogenicity in one individual (PMID:30060493). (SP) 0905 - No published segregation evidence has been identified for this variant. (I) 1007 - No published functional evidence has been identified for this variant. (I) Legend: (SP) - Supporting pathogenic, (I) - Information, (SB) - Supporting benign

Literature cited by the submitters: PubMed 21911583; PubMed 30060493; PubMed 31522899.

NM_000350.3(ABCA4):c.1254T>A (p.Phe418Leu)

Gene: ABCA4 (ATP binding cassette subfamily A member 4; minus strand). Cytogenetic location: 1p22.1.
Variant type: single nucleotide variant.
Coding change: c.1254T>A on transcript NM_000350.3 (MANE Select); coding-DNA position 1254, T replaced by A.
Protein change: p.Phe418Leu; replaces phenylalanine 418 with leucine.
Molecular consequence: missense variant.
Genome position (GRCh38, 1-based): chr1:94,078,692, A>T on the plus strand (T>A on the coding strand, the complement: ABCA4 is on the minus strand). VCF-style: chr1-94078692-A-T. GRCh37 (hg19) VCF-style: chr1-94544248-A-T.
Other names: c.1254T>A, p.Phe418Leu (NM_001425324.1); short protein forms F418L.
Identifiers: ClinVar variation 1805341 (VCV001805341.1), dbSNP rs765907001, ClinGen allele CA958580.